The following is an entry in ClinVar:

ClinVar aggregate classification (germline): Likely benign (1 of 4 stars; one submission).

Allele frequency attached by ClinVar (database versions not stated): gnomAD exomes 0.00001; gnomAD 0.00101.
gnomAD v4.1: 122 of 360,092 alleles (0.034%); highest among the groups gnomAD compares: African/African-American, 0.07%; 12 homozygotes.

Submission:

CeGaT Center for Human Genetics Tuebingen
Classification: Likely benign. Last evaluated: 2023-02-01. Review status: criteria provided, single submitter. Criteria: CeGaT Center For Human Genetics Tuebingen Variant Classification Criteria Version 2. Collection method: clinical testing. Allele origin: germline. Affected: yes. Observed: 2 variant alleles.
Comment: HLA-DQA1: BS2

NM_002122.5(HLA-DQA1):c.82+1409A>G

Gene: HLA-DQA1 (major histocompatibility complex, class II, DQ alpha 1; plus strand). Cytogenetic location: 6p21.32.
Variant type: single nucleotide variant.
Coding change: c.82+1409A>G on transcript NM_002122.5 (MANE Select); 1409 bases into the intron after coding-DNA position 82, A replaced by G.
Molecular consequence: intron variant.
Genome position (GRCh38, 1-based): chr6:32,638,949, A>G. VCF-style: chr6-32638949-A-G. GRCh37 (hg19) VCF-style: chr6-32606726-A-G.
Identifiers: ClinVar variation 2656469 (VCV002656469.24), dbSNP rs1246001026, ClinGen allele CA566391537.